The following is an entry in ClinVar:

ClinVar aggregate classification (germline): Likely benign. Review status: criteria provided, multiple submitters, no conflicts (2 of 4 stars). 2 submissions from 2 submitters: Likely benign (2). Last evaluated 2025-09-03.

Conditions:
Tuberous sclerosis 2 (TSC2). Identifiers: Orphanet 805, MedGen C1860707, MONDO:0013199, OMIM 613254.

Submissions (2):

Labcorp Genetics (formerly Invitae), Labcorp
Classification: Likely benign for Tuberous sclerosis 2. Last evaluated: 2025-09-03. Review status: criteria provided, single submitter. Criteria: Invitae Variant Classification Sherloc (09022015). Collection method: clinical testing. Allele origin: germline.

Myriad Genetics, Inc.
Classification: Likely benign for Tuberous sclerosis 2. Last evaluated: 2025-06-02. Review status: criteria provided, single submitter. Criteria: Myriad Autosomal Dominant, Autosomal Recessive and X-Linked Classification Criteria (2023). Collection method: clinical testing. Allele origin: unknown.
Comment: This variant is considered likely benign. This variant is intronic and is not expected to impact mRNA splicing.

NM_000548.5(TSC2):c.4006-14A>C

Gene: TSC2 (TSC complex subunit 2; plus strand). Cytogenetic location: 16p13.3.
Variant type: single nucleotide variant.
Coding change: c.4006-14A>C on transcript NM_000548.5 (MANE Select); 14 bases into the intron before coding-DNA position 4006, A replaced by C.
Molecular consequence: intron variant.
Genome position (GRCh38, 1-based): chr16:2,084,214, A>C. VCF-style: chr16-2084214-A-C. GRCh37 (hg19) VCF-style: chr16-2134215-A-C.
Other names: c.3937-14A>C (NM_001114382.3); c.3877-14A>C (NM_021055.3, NM_001370405.1); c.3808-14A>C (NM_001363528.2); c.3874-14A>C (NM_001370404.1); c.3805-14A>C (NM_001077183.3); c.3697-14A>C (NM_001318827.2); c.3274-14A>C (NM_001318831.2); c.3661-14A>C (NM_001318829.2); and 1 more.
Identifiers: ClinVar variation 1579113 (VCV001579113.9), dbSNP rs1350511311, ClinGen allele CA2573151592.
Genomic context (GRCh38, chr16:2,084,214, plus strand): 5'-CACCTCCAGGTCAACCCCAGGTGGGCTCGAGGGTGCCTGCTGACAGGGGTTCTCTTTGGG[A>C]TGGTCCTTTCTAGTCGTCCTCAGTCTCCAGCCAGGAGGAGAAGTCGCTCCACGCGGAGGA-3'